The following is an entry in ClinVar:

NM_000497.4(CYP11B1):c.751_752insC (p.Lys251fs)

Genes: CYP11B1 (cytochrome P450 family 11 subfamily B member 1; minus strand), LOC106799833 (CYP11B1 recombination region; plus strand). Cytogenetic location: 8q24.3.
Variant type: Insertion.
Coding change: c.751_752insC on transcript NM_000497.4 (MANE Select); coding-DNA positions 751 to 752, C inserted.
Protein change: p.Lys251fs; shifts the reading frame from lysine 251.
Molecular consequence: frameshift variant.
Genome position: GRCh38 VCF-style: chr8-142876729-T-TG. GRCh37 (hg19) VCF-style: chr8-143958145-T-TG.
Other names: c.751_752insC, p.Lys251fs (NM_001026213.1); short protein forms K251fs.
Identifiers: ClinVar variation 1725738 (VCV001725738.2), dbSNP rs2488678074, ClinGen allele CA2580078664.

ClinVar aggregate classification (germline): Likely pathogenic (1 of 4 stars; one submission).

Conditions:
Deficiency of steroid 11-beta-monooxygenase (CYP11B1). Also called: P450C11B1 DEFICIENCY; STEROID 11-BETA-HYDROXYLASE DEFICIENCY; Congenital adrenal hyperplasia due to 11-beta-hydroxylase deficiency; ADRENAL HYPERPLASIA, CONGENITAL, DUE TO STEROID 11-BETA-HYDROXYLASE DEFICIENCY; 11-BETA-HYDROXYLASE DEFICIENCY; ADRENAL HYPERPLASIA IV. Identifiers: Orphanet 90795, MedGen C0268292, MONDO:0008729, OMIM 202010. Disease mechanism: loss of function.

Submission:

Myriad Genetics, Inc.
Classification: Likely pathogenic for Deficiency of steroid 11-beta-monooxygenase. Last evaluated: 2022-03-31. Review status: criteria provided, single submitter. Criteria: Myriad Women's Health Autosomal Recessive and X-Linked Classification Criteria (2021). Collection method: clinical testing. Allele origin: unknown.
Comment: NM_000497.3(CYP11B1):c.751_752insC(K251Tfs*8) is expected to be pathogenic in the context of congenital adrenal hyperplasia, CYP11B1-related. This variant is predicted to lead to an abnormal or absent protein product due to the creation of a premature termination codon in CYP11B1, a gene where loss-of-function variants are known to be pathogenic. Please note: this variant was assessed in the context of healthy population screening.